The following is an entry in ClinVar:

NM_014000.3(VCL):c.2852C>G (p.Pro951Arg)

Gene: VCL (vinculin; plus strand). Cytogenetic location: 10q22.2.
Variant type: single nucleotide variant.
Coding change: c.2852C>G on transcript NM_014000.3 (MANE Select); coding-DNA position 2852, C replaced by G.
Protein change: p.Pro951Arg; replaces proline 951 with arginine.
Molecular consequence: missense variant. On other transcripts: intron variant (1).
Genome position (GRCh38, 1-based): chr10:74,112,015, C>G. VCF-style: chr10-74112015-C-G. GRCh37 (hg19) VCF-style: chr10-75871773-C-G.
Other names: c.2746-2169C>G (NM_003373.4); short protein forms P951R.
Identifiers: ClinVar variation 45601 (VCV000045601.14), dbSNP rs368570586, ClinGen allele CA136758.

ClinVar aggregate classification (germline): Conflicting classifications of pathogenicity. Review status: criteria provided, conflicting classifications (1 of 4 stars). 4 submissions from 4 submitters: Uncertain significance (3); Likely benign (1). Last evaluated 2025-11-24.

Conditions:
Cardiovascular phenotype. Identifiers: MedGen CN230736.
Dilated cardiomyopathy 1W (CMD1W). Identifiers: Orphanet 154, MedGen C1969639, MONDO:0012667, OMIM 611407.

Allele frequency attached by ClinVar (database versions not stated): ExAC 0.00001; gnomAD 0.00001; gnomAD exomes 0.00001 and 0.00002; TOPMed 0.00001; ESP Exome Variant Server 0.00008.
gnomAD v4.1: 33 of 1,614,084 alleles (0.002%); highest among the groups gnomAD compares: Middle Eastern, 0.016%; no homozygotes.

Submissions (4):

Ambry Genetics
Classification: Uncertain significance for Cardiovascular phenotype. Last evaluated: 2025-11-24. Review status: criteria provided, single submitter. Criteria: Ambry Variant Classification Scheme 2023. Collection method: clinical testing. Allele origin: germline.
Comment: The p.P951R variant (also known as c.2852C>G), located in coding exon 19 of the VCL gene, results from a C to G substitution at nucleotide position 2852. The proline at codon 951 is replaced by arginine, an amino acid with dissimilar properties. This variant was reported in individual(s) with features consistent with dilated cardiomyopathy (Pugh TJ et al. Genet Med, 2014 Aug;16:601-8; Janin A et al. Mol Diagn Ther, 2021 May;25:373-385). This amino acid position is highly conserved in available vertebrate species. In addition, the in silico prediction for this alteration is inconclusive. Based on the available evidence, the clinical significance of this variant remains unclear.

Labcorp Genetics (formerly Invitae), Labcorp
Classification: Uncertain significance for Dilated cardiomyopathy 1W. Last evaluated: 2024-09-21. Review status: criteria provided, single submitter. Criteria: Invitae Variant Classification Sherloc (09022015). Collection method: clinical testing. Allele origin: germline.
Comment: This sequence change replaces proline, which is neutral and non-polar, with arginine, which is basic and polar, at codon 951 of the VCL protein (p.Pro951Arg). This variant is present in population databases (rs368570586, gnomAD 0.01%). This variant has not been reported in the literature in individuals affected with VCL-related conditions. ClinVar contains an entry for this variant (Variation ID: 45601). An algorithm developed to predict the effect of missense changes on protein structure and function (PolyPhen-2) suggests that this variant is likely to be tolerated. In summary, the available evidence is currently insufficient to determine the role of this variant in disease. Therefore, it has been classified as a Variant of Uncertain Significance.

GeneDx
Classification: Uncertain significance. Last evaluated: 2023-03-24. Review status: criteria provided, single submitter. Criteria: GeneDx Variant Classification Process June 2021. Collection method: clinical testing. Allele origin: germline. Affected: yes.
Comment: Not observed at significant frequency in large population cohorts (gnomAD); In silico analysis supports that this missense variant does not alter protein structure/function; Has not been previously published as pathogenic or benign to our knowledge

Laboratory for Molecular Medicine, Mass General Brigham Personalized Medicine
Classification: Likely benign. Last evaluated: 2010-11-16. Review status: criteria provided, single submitter. Criteria: LMM Criteria. Collection method: clinical testing. Allele origin: germline. Observed: 1 variant allele.
Comment: Pro951Arg in exon 19 of VCL: The Pro951Arg variant has not been reported in the literature and has not been identified in over 500 Caucasian chromosomes tested by our laboratory. In addition, proline (Pro) at position 951 is highly conserve d across evolutionary distant species, suggesting that a change at this position may not be tolerated. However, this variant was observed to not segregate with disease in one family (one affected individual was negative). Although this cou ld be caused by a second, undetected variant in this family it is more likely th at the Pro951Arg variant is insufficient to cause disease in isolation.

Literature cited by the submitters: PubMed 24503780 (cited by Ambry Genetics); PubMed 33954932 (cited by Ambry Genetics).